The following is an entry in ClinVar:

NM_001397.3(ECE1):c.2019G>T (p.Gly673=)

Gene: ECE1 (endothelin converting enzyme 1; minus strand). Cytogenetic location: 1p36.12.
Variant type: single nucleotide variant.
Coding change: c.2019G>T on transcript NM_001397.3 (MANE Select); coding-DNA position 2019, G replaced by T.
Protein change: p.Gly673=; no amino-acid change (glycine 673 retained).
Molecular consequence: synonymous variant.
Genome position (GRCh38, 1-based): chr1:21,225,271, C>A on the plus strand (G>T on the coding strand, the complement: ECE1 is on the minus strand). VCF-style: chr1-21225271-C-A. GRCh37 (hg19) VCF-style: chr1-21551764-C-A.
Other names: c.1983G>T, p.Gly661= (NM_001113347.2); c.1971G>T, p.Gly657= (NM_001113348.2); c.2010G>T, p.Gly670= (NM_001113349.2).
Identifiers: ClinVar variation 3055319 (VCV003055319.2), dbSNP rs2551196644, ClinGen allele CA416644437.
Genomic context (GRCh38, chr1:21,225,271, plus strand): 5'-GCACTGGGACCGTGCGCGTGTGGGGAGCGGGGCTCTCACCCGATAGGCCGCCTTGAGACC[C>A]CCGTTGTCGGCGATGTTCTCCCCCAGGGTGTGCCGCCCGTTCACCGGCTCCCCGTTCACG-3'
Protein context (NP_001388.1, residues 663-683): HTLGENIADN[Gly673=]GLKAAYRAYQ

ClinVar aggregate classification (germline): Likely benign (0 of 4 stars; one submission).

Conditions:
ECE1-related disorder. Also called: ECE1-related condition.

Submission:

PreventionGenetics, part of Exact Sciences
Classification: Likely benign for ECE1-related condition. Last evaluated: 2023-06-13. Review status: no assertion criteria provided. Collection method: clinical testing. Allele origin: germline.
Comment: This variant is classified as likely benign based on ACMG/AMP sequence variant interpretation guidelines (Richards et al. 2015 PMID: 25741868, with internal and published modifications).